The following is an entry in ClinVar:

ClinVar aggregate classification (germline): Uncertain significance (1 of 4 stars; one submission).

Conditions:
Familial infantile myasthenia (CMS6). Also called: MYASTHENIC SYNDROME, CONGENITAL, 6, PRESYNAPTIC; MYASTHENIC SYNDROME, PRESYNAPTIC, CONGENITAL, ASSOCIATED WITH EPISODIC APNEA; Congenital myasthenic syndrome type 6. Identifiers: Orphanet 590, MedGen C0393929, MONDO:0009689, OMIM 254210.

Submission:

Labcorp Genetics (formerly Invitae), Labcorp
Classification: Uncertain significance for Familial infantile myasthenia. Last evaluated: 2020-10-10. Review status: criteria provided, single submitter. Criteria: Invitae Variant Classification Sherloc (09022015). Collection method: clinical testing. Allele origin: germline.
Comment: In summary, the available evidence is currently insufficient to determine the role of this variant in disease. Therefore, it has been classified as a Variant of Uncertain Significance. Advanced modeling of protein sequence and biophysical properties (such as structural, functional, and spatial information, amino acid conservation, physicochemical variation, residue mobility, and thermodynamic stability) performed at Invitae indicates that this missense variant is not expected to disrupt CHAT protein function. This variant has not been reported in the literature in individuals with CHAT-related conditions. The frequency data for this variant in the population databases is considered unreliable, as metrics indicate insufficient coverage at this position in the ExAC database. This sequence change replaces glycine with aspartic acid at codon 41 of the CHAT protein (p.Gly41Asp). The glycine residue is weakly conserved and there is a moderate physicochemical difference between glycine and aspartic acid.

NM_020549.5(CHAT):c.122G>A (p.Gly41Asp)

Gene: CHAT (choline O-acetyltransferase; plus strand). Cytogenetic location: 10q11.23.
Variant type: single nucleotide variant.
Coding change: c.122G>A on transcript NM_020549.5 (MANE Select); coding-DNA position 122, G replaced by A.
Protein change: p.Gly41Asp; replaces glycine 41 with aspartic acid.
Molecular consequence: missense variant. On other transcripts: 5 prime UTR variant (4), intron variant (2).
Genome position (GRCh38, 1-based): chr10:49,614,311, G>A. VCF-style: chr10-49614311-G-A. GRCh37 (hg19) VCF-style: chr10-50822357-G-A.
Other names: c.-233G>A (NM_001142929.2, NM_020985.4); c.-195G>A (NM_001142933.2); c.-303G>A (NM_001142934.2); c.-68-2191G>A (NM_020984.4); c.-69+1109G>A (NM_020986.4); short protein forms G41D.
Identifiers: ClinVar variation 1061660 (VCV001061660.9), dbSNP rs1441347177, ClinGen allele CA376724971.